The following is an entry in ClinVar:

NM_004646.4(NPHS1):c.237del (p.Phe80fs)

Genes: KIRREL2 (kirre like nephrin family adhesion molecule 2; plus strand), NPHS1 (NPHS1 adhesion molecule, nephrin; minus strand). Cytogenetic location: 19q13.12.
Variant type: Deletion.
Coding change: c.237del on transcript NM_004646.4 (MANE Select); coding-DNA position 237, one base deleted (C; older notation c.237delC).
Protein change: p.Phe80fs; shifts the reading frame from phenylalanine 80.
Molecular consequence: frameshift variant.
Genome position (GRCh38, 1-based): chr19:35,851,494, G deleted on the plus strand (C on the coding strand, the reverse complement: NPHS1 is on the minus strand). VCF-style (leftmost placement, unchanged base first): chr19-35851493-AG-A. GRCh37 (hg19) VCF-style: chr19-36342395-AG-A.
Other names: short protein forms F80fs.
Identifiers: ClinVar variation 4085960 (VCV004085960.8).
Genomic context (GRCh38, chr19:35,851,493, plus strand): 5'-GGGTCTCAGGCTCTGATCCCTTACCTCTAGCAGGGTCCCCTTCCAGGCGGTACCTCGGGA[AG>A]CCTGGGATCCTGGGGTCGGGGCCCAGGAGCAGCCCATCTTTGGCCCATTGCACCGCACTG-3'

ClinVar aggregate classification (germline): Pathogenic (1 of 4 stars; one submission).

Submission:

CeGaT Center for Human Genetics Tuebingen
Classification: Pathogenic. Last evaluated: 2026-04-01. Review status: criteria provided, single submitter. Criteria: CeGaT Center For Human Genetics Tuebingen Variant Classification Criteria Version 2. Collection method: clinical testing. Allele origin: germline. Affected: yes. Observed: 1 variant allele.
Comment: NPHS1: PVS1, PM2, PP4